The following is an entry in ClinVar:

NM_000125.4(ESR1):c.115C>T (p.Leu39=)

Gene: ESR1 (estrogen receptor 1; plus strand). Cytogenetic location: 6q25.1.
Variant type: single nucleotide variant.
Coding change: c.115C>T on transcript NM_000125.4 (MANE Select); coding-DNA position 115, C replaced by T.
Protein change: p.Leu39=; no amino-acid change (leucine 39 retained).
Molecular consequence: synonymous variant.
Genome position (GRCh38, 1-based): chr6:151,808,027, C>T. VCF-style: chr6-151808027-C-T. GRCh37 (hg19) VCF-style: chr6-152129162-C-T.
Other names: c.115C>T, p.Leu39= (NM_001122740.2, NM_001122741.2, NM_001122742.2 and 7 more transcripts).
Identifiers: ClinVar variation 2656999 (VCV002656999.24), dbSNP rs781772511, ClinGen allele CA452987265.

ClinVar aggregate classification (germline): Likely benign (1 of 4 stars; one submission).

Submission:

CeGaT Center for Human Genetics Tuebingen
Classification: Likely benign. Last evaluated: 2022-07-01. Review status: criteria provided, single submitter. Criteria: CeGaT Center For Human Genetics Tuebingen Variant Classification Criteria Version 2. Collection method: clinical testing. Allele origin: germline. Affected: yes. Observed: 1 variant allele.
Comment: ESR1: PM2:Supporting, BP4, BP7